The following is an entry in ClinVar:

NM_012470.4(TNPO3):c.2768G>A (p.Arg923Gln)

Gene: TNPO3 (transportin 3; minus strand). Cytogenetic location: 7q32.1.
Variant type: single nucleotide variant.
Coding change: c.2768G>A on transcript NM_012470.4 (MANE Select); coding-DNA position 2768, G replaced by A.
Protein change: p.Arg923Gln; replaces arginine 923 with glutamine.
Molecular consequence: missense variant. On other transcripts: non-coding transcript variant (18), intron variant (2).
Genome position (GRCh38, 1-based): chr7:128,957,259, C>T on the plus strand (G>A on the coding strand, the complement: TNPO3 is on the minus strand). VCF-style: chr7-128957259-C-T. GRCh37 (hg19) VCF-style: chr7-128597313-C-T.
Other names: c.2576G>A, p.Arg859Gln (NM_001191028.3); c.2870G>A, p.Arg957Gln (NM_001382216.1); c.2849G>A, p.Arg950Gln (NM_001382217.1); c.2660G>A, p.Arg887Gln (NM_001382219.1); c.2627G>A, p.Arg876Gln (NM_001382220.1); c.2624G>A, p.Arg875Gln (NM_001382221.1); c.2621G>A, p.Arg874Gln (NM_001382222.1); c.2520-1874G>A (NM_001382223.1); and 1 more; short protein forms R923Q, R859Q, R874Q, R875Q, R876Q, R887Q, R950Q, R957Q.
Identifiers: ClinVar variation 523000 (VCV000523000.12), dbSNP rs750548861, ClinGen allele CA4477792.

ClinVar aggregate classification (germline): Uncertain significance. Review status: criteria provided, multiple submitters, no conflicts (2 of 4 stars). 2 submissions from 2 submitters: Uncertain significance (2). Last evaluated 2022-10-04.

Conditions:
Autosomal dominant limb-girdle muscular dystrophy type 1F (LGMDD2). Also called: Limb-girdle muscular dystrophy, type 1F; MUSCULAR DYSTROPHY, LIMB-GIRDLE, AUTOSOMAL DOMINANT 2. Identifiers: Orphanet 55595, MedGen C1842062, MONDO:0012034, OMIM 608423.

Allele frequency attached by ClinVar (database versions not stated): gnomAD exomes below 0.00001; TOPMed below 0.00001; ExAC 0.00001; gnomAD 0.00001.
gnomAD v4.1: 4 of 1,613,906 alleles (0.00025%); highest among the groups gnomAD compares: African/African-American, 0.0013%; no homozygotes.

Submissions (2):

Labcorp Genetics (formerly Invitae), Labcorp
Classification: Uncertain significance for Autosomal dominant limb-girdle muscular dystrophy type 1F. Last evaluated: 2022-10-04. Review status: criteria provided, single submitter. Criteria: Invitae Variant Classification Sherloc (09022015). Collection method: clinical testing. Allele origin: germline.
Comment: In summary, the available evidence is currently insufficient to determine the role of this variant in disease. Therefore, it has been classified as a Variant of Uncertain Significance. Algorithms developed to predict the effect of missense changes on protein structure and function are either unavailable or do not agree on the potential impact of this missense change (SIFT: "Not Available"; PolyPhen-2: "Probably Damaging"; Align-GVGD: "Class C65"). ClinVar contains an entry for this variant (Variation ID: 523000). This variant has not been reported in the literature in individuals affected with TNPO3-related conditions. This variant is present in population databases (rs750548861, gnomAD 0.007%). This sequence change replaces arginine, which is basic and polar, with glutamine, which is neutral and polar, at codon 923 of the TNPO3 protein (p.Arg923Gln).

Genomic Research Center, Shahid Beheshti University of Medical Sciences
Classification: Uncertain significance. Last evaluated: 2020-05-03. Review status: criteria provided, single submitter. Criteria: ACMG Guidelines, 2015. Collection method: clinical testing. Allele origin: unknown. Affected: yes.